The following is an entry in ClinVar:

ClinVar aggregate classification (germline): Uncertain significance (1 of 4 stars; one submission).

Allele frequency attached by ClinVar (database versions not stated): TOPMed 0.00001; ExAC 0.00002.

Submission:

Labcorp Genetics (formerly Invitae), Labcorp
Classification: Uncertain significance. Last evaluated: 2023-03-08. Review status: criteria provided, single submitter. Criteria: Invitae Variant Classification Sherloc (09022015). Collection method: clinical testing. Allele origin: germline.
Comment: An algorithm developed to predict the effect of missense changes on protein structure and function (PolyPhen-2) suggests that this variant is likely to be tolerated. In summary, the available evidence is currently insufficient to determine the role of this variant in disease. Therefore, it has been classified as a Variant of Uncertain Significance. ClinVar contains an entry for this variant (Variation ID: 1999894). This sequence change replaces methionine, which is neutral and non-polar, with threonine, which is neutral and polar, at codon 213 of the NEK2 protein (p.Met213Thr). This variant is present in population databases (rs757390908, gnomAD 0.006%). This variant has not been reported in the literature in individuals affected with NEK2-related conditions.

NM_002497.4(NEK2):c.638T>C (p.Met213Thr)

Gene: NEK2 (NIMA related kinase 2; minus strand). Cytogenetic location: 1q32.3.
Variant type: single nucleotide variant.
Coding change: c.638T>C on transcript NM_002497.4 (MANE Select); coding-DNA position 638, T replaced by C.
Protein change: p.Met213Thr; replaces methionine 213 with threonine.
Molecular consequence: missense variant.
Genome position (GRCh38, 1-based): chr1:211,671,202, A>G on the plus strand (T>C on the coding strand, the complement: NEK2 is on the minus strand). VCF-style: chr1-211671202-A-G. GRCh37 (hg19) VCF-style: chr1-211844544-A-G.
Other names: c.638T>C, p.Met213Thr (NM_001204182.2, NM_001204183.2); short protein forms M213T.
Identifiers: ClinVar variation 1999894 (VCV001999894.4), dbSNP rs757390908, ClinGen allele CA1381645.
Genomic context (GRCh38, chr1:211,671,202, plus strand): 5'-CAGTGAAATGTGACAAACAGTACAAACCTTAGACTAGGAATCTGTCTTCATCATACTTAC[A>G]TTAATGCACATAACTCATACAGCAAGCAGCCCAATGACCAGATATCTGATTTCTCATTGT-3'
Protein context (NP_002488.1, residues 203-223): GCLLYELCAL[Met213Thr]PPFTAFSQKE